The following is an entry in ClinVar:

ClinVar aggregate classification (germline): Benign/Likely benign. Review status: criteria provided, multiple submitters, no conflicts (2 of 4 stars). 2 submissions from 2 submitters: Benign (1); Likely benign (1). Last evaluated 2024-10-03.

Conditions:
Familial cancer of breast. Also called: hereditary breast carcinoma; Hereditary breast cancer; BREAST CANCER, FAMILIAL. Identifiers: Orphanet 227535, MedGen C0346153, MONDO:0016419, OMIM 114480. Disease mechanism: loss of function.

Submissions (2):

Myriad Genetics, Inc.
Classification: Benign for Familial cancer of breast. Last evaluated: 2024-10-03. Review status: criteria provided, single submitter. Criteria: Myriad Autosomal Dominant, Autosomal Recessive and X-Linked Classification Criteria (2023). Collection method: clinical testing. Allele origin: unknown.
Comment: This variant is considered benign. This variant is a silent/synonymous amino acid change and it is not expected to impact splicing.

Labcorp Genetics (formerly Invitae), Labcorp
Classification: Likely benign for Familial cancer of breast. Last evaluated: 2019-08-20. Review status: criteria provided, single submitter. Criteria: Invitae Variant Classification Sherloc (09022015). Collection method: clinical testing. Allele origin: germline.

NM_007194.4(CHEK2):c.597T>C (p.Phe199=)

Gene: CHEK2 (checkpoint kinase 2; minus strand). Cytogenetic location: 22q12.1.
Variant type: single nucleotide variant.
Coding change: c.597T>C on transcript NM_007194.4 (MANE Select); coding-DNA position 597, T replaced by C.
Protein change: p.Phe199=; no amino-acid change (phenylalanine 199 retained).
Molecular consequence: synonymous variant. On other transcripts: 5 prime UTR variant (2), intron variant (1).
Genome position (GRCh38, 1-based): chr22:28,719,481, A>G on the plus strand (T>C on the coding strand, the complement: CHEK2 is on the minus strand). VCF-style: chr22-28719481-A-G. GRCh37 (hg19) VCF-style: chr22-29115469-A-G.
Other names: c.726T>C, p.Phe242= (NM_001005735.3, NM_001438294.1); c.-67T>C (NM_001257387.3, NM_001437942.1); c.690T>C, p.Phe230= (NM_001438293.1, NM_001438295.1); c.597T>C, p.Phe199= (NM_145862.3); c.482+5405T>C (NM_001349956.3).
Identifiers: ClinVar variation 1135145 (VCV001135145.11), dbSNP rs2146007453, ClinGen allele CA513945277.